The following is an entry in ClinVar:

NM_002470.4(MYH3):c.1411-3T>G

Gene: MYH3 (myosin heavy chain 3; minus strand). Cytogenetic location: 17p13.1.
Variant type: single nucleotide variant.
Coding change: c.1411-3T>G on transcript NM_002470.4 (MANE Select); 3 bases into the intron before coding-DNA position 1411, T replaced by G.
Molecular consequence: intron variant.
Genome position (GRCh38, 1-based): chr17:10,642,999, A>C on the plus strand (T>G on the coding strand, the complement: MYH3 is on the minus strand). VCF-style: chr17-10642999-A-C. GRCh37 (hg19) VCF-style: chr17-10546316-A-C.
Identifiers: ClinVar variation 4767022 (VCV004767022.1).

ClinVar aggregate classification (germline): Uncertain significance (1 of 4 stars; one submission).

Submission:

Labcorp Genetics (formerly Invitae), Labcorp
Classification: Uncertain significance. Last evaluated: 2025-05-13. Review status: criteria provided, single submitter. Criteria: Invitae Variant Classification Sherloc (09022015). Collection method: clinical testing. Allele origin: germline.
Comment: This sequence change falls in intron 14 of the MYH3 gene. It does not directly change the encoded amino acid sequence of the MYH3 protein. It affects a nucleotide within the consensus splice site. This variant is not present in population databases (gnomAD no frequency). This variant has not been reported in the literature in individuals affected with MYH3-related conditions. Variants that disrupt the consensus splice site are a relatively common cause of aberrant splicing (PMID: 17576681, 9536098). Algorithms developed to predict the effect of sequence changes on RNA splicing suggest that this variant may disrupt the consensus splice site. In summary, the available evidence is currently insufficient to determine the role of this variant in disease. Therefore, it has been classified as a Variant of Uncertain Significance.

Literature cited by the submitters: PubMed 17576681; PubMed 9536098.